The following is an entry in ClinVar:

NM_006231.4(POLE):c.1690C>G (p.Pro564Ala)

Gene: POLE (DNA polymerase epsilon, catalytic subunit; minus strand). Cytogenetic location: 12q24.33.
Variant type: single nucleotide variant.
Coding change: c.1690C>G on transcript NM_006231.4 (MANE Select); coding-DNA position 1690, C replaced by G.
Protein change: p.Pro564Ala; replaces proline 564 with alanine.
Molecular consequence: missense variant.
Genome position (GRCh38, 1-based): chr12:132,672,319, G>C on the plus strand (C>G on the coding strand, the complement: POLE is on the minus strand). VCF-style: chr12-132672319-G-C. GRCh37 (hg19) VCF-style: chr12-133248905-G-C.
Other names: c.1690C>G (NM_006231.2); short protein forms P564A.
Identifiers: ClinVar variation 1502995 (VCV001502995.10), dbSNP rs1465675256, ClinGen allele CA387356418.

ClinVar aggregate classification (germline): Uncertain significance. Review status: criteria provided, multiple submitters, no conflicts (2 of 4 stars). 2 submissions from 2 submitters: Uncertain significance (2). Last evaluated 2022-12-21.

Conditions:
Hereditary cancer-predisposing syndrome. Also called: Hereditary neoplastic syndrome; Tumor predisposition; Neoplastic Syndromes, Hereditary; Hereditary Cancer Syndrome. Identifiers: Orphanet 140162, MedGen C0027672, MeSH D009386, MONDO:0015356.

gnomAD v4.1: 4 of 1,613,584 alleles (0.00025%); highest among the groups gnomAD compares: Non-Finnish European, 0.00034%; no homozygotes.

Submissions (2):

Ambry Genetics
Classification: Uncertain significance for Hereditary cancer-predisposing syndrome. Last evaluated: 2022-12-21. Review status: criteria provided, single submitter. Criteria: Ambry Variant Classification Scheme 2023. Collection method: clinical testing. Allele origin: germline.
Comment: The p.P564A variant (also known as c.1690C>G), located in coding exon 16 of the POLE gene, results from a C to G substitution at nucleotide position 1690. The proline at codon 564 is replaced by alanine, an amino acid with highly similar properties. This amino acid position is conserved. In addition, this alteration is predicted to be tolerated by in silico analysis. Since supporting evidence is limited at this time, the clinical significance of this alteration remains unclear.

Labcorp Genetics (formerly Invitae), Labcorp
Classification: Uncertain significance. Last evaluated: 2022-02-01. Review status: criteria provided, single submitter. Criteria: Invitae Variant Classification Sherloc (09022015). Collection method: clinical testing. Allele origin: germline.
Comment: This variant has not been reported in the literature in individuals affected with POLE-related conditions. This variant is not present in population databases (gnomAD no frequency). This sequence change replaces proline, which is neutral and non-polar, with alanine, which is neutral and non-polar, at codon 564 of the POLE protein (p.Pro564Ala). Algorithms developed to predict the effect of missense changes on protein structure and function are either unavailable or do not agree on the potential impact of this missense change (SIFT: "Tolerated"; PolyPhen-2: "Probably Damaging"; Align-GVGD: "Class C0"). In summary, the available evidence is currently insufficient to determine the role of this variant in disease. Therefore, it has been classified as a Variant of Uncertain Significance.